The following is an entry in ClinVar:

NM_000548.5(TSC2):c.124G>A (p.Ala42Thr)

Gene: TSC2 (TSC complex subunit 2; plus strand). Cytogenetic location: 16p13.3.
Variant type: single nucleotide variant.
Coding change: c.124G>A on transcript NM_000548.5 (MANE Select); coding-DNA position 124, G replaced by A.
Protein change: p.Ala42Thr; replaces alanine 42 with threonine.
Molecular consequence: missense variant. On other transcripts: 5 prime UTR variant (1), intron variant (1).
Genome position (GRCh38, 1-based): chr16:2,048,739, G>A. VCF-style: chr16-2048739-G-A. GRCh37 (hg19) VCF-style: chr16-2098740-G-A.
Other names: c.124G>A, p.Ala42Thr (NM_001077183.3, NM_001114382.3, NM_001318827.2 and 13 more transcripts); c.-103G>A (NM_001318831.2, NM_001406682.1, NM_001406684.1 and 2 more transcripts); c.157G>A, p.Ala53Thr (NM_001318832.2); c.-693G>A (NM_001406680.1, NM_001406683.1, NM_001406687.1); c.-322G>A (NM_001406681.1); c.-1308G>A (NM_001406689.1, NM_001406690.1, NM_001406691.1 and 2 more transcripts); c.-1614G>A (NM_001406693.1); c.-1189G>A (NM_001406694.1, NM_001406695.1); and 3 more; short protein forms A42T, A53T.
Identifiers: ClinVar variation 1915555 (VCV001915555.5), dbSNP rs1229322782, ClinGen allele CA394301705.

ClinVar aggregate classification (germline): Uncertain significance (1 of 4 stars; one submission).

Conditions:
Tuberous sclerosis 2 (TSC2). Identifiers: Orphanet 805, MedGen C1860707, MONDO:0013199, OMIM 613254.

Submission:

Labcorp Genetics (formerly Invitae), Labcorp
Classification: Uncertain significance for Tuberous sclerosis 2. Last evaluated: 2022-09-20. Review status: criteria provided, single submitter. Criteria: Invitae Variant Classification Sherloc (09022015). Collection method: clinical testing. Allele origin: germline.
Comment: In summary, the available evidence is currently insufficient to determine the role of this variant in disease. Therefore, it has been classified as a Variant of Uncertain Significance. Advanced modeling of protein sequence and biophysical properties (such as structural, functional, and spatial information, amino acid conservation, physicochemical variation, residue mobility, and thermodynamic stability) performed at Invitae indicates that this missense variant is not expected to disrupt TSC2 protein function. This variant has not been reported in the literature in individuals affected with TSC2-related conditions. This variant is not present in population databases (gnomAD no frequency). This sequence change replaces alanine, which is neutral and non-polar, with threonine, which is neutral and polar, at codon 42 of the TSC2 protein (p.Ala42Thr).